The following is an entry in ClinVar:

ClinVar aggregate classification (germline): Uncertain significance (1 of 4 stars; one submission).

Allele frequency attached by ClinVar (database versions not stated): gnomAD exomes below 0.00001.
gnomAD v4.1: 3 of 1,614,044 alleles (0.00019%); highest among the groups gnomAD compares: Non-Finnish European, 0.00025%; no homozygotes.

Submission:

Labcorp Genetics (formerly Invitae), Labcorp
Classification: Uncertain significance. Last evaluated: 2022-02-02. Review status: criteria provided, single submitter. Criteria: Invitae Variant Classification Sherloc (09022015). Collection method: clinical testing. Allele origin: germline.
Comment: This sequence change replaces glutamic acid, which is acidic and polar, with glycine, which is neutral and non-polar, at codon 656 of the ZNF341 protein (p.Glu656Gly). This variant is present in population databases (no rsID available, gnomAD 0.0009%). This variant has not been reported in the literature in individuals affected with ZNF341-related conditions. Algorithms developed to predict the effect of missense changes on protein structure and function are either unavailable or do not agree on the potential impact of this missense change (SIFT: "Deleterious"; PolyPhen-2: "Probably Damaging"; Align-GVGD: "Class C0"). In summary, the available evidence is currently insufficient to determine the role of this variant in disease. Therefore, it has been classified as a Variant of Uncertain Significance.

NM_001282933.2(ZNF341):c.1988A>G (p.Glu663Gly)

Genes: ZNF341 (zinc finger protein 341; plus strand), ZNF341-AS1 (ZNF341 antisense RNA 1; minus strand). Cytogenetic location: 20q11.22.
Variant type: single nucleotide variant.
Coding change: c.1988A>G on transcript NM_001282933.2 (MANE Select); coding-DNA position 1988, A replaced by G.
Protein change: p.Glu663Gly; replaces glutamic acid 663 with glycine.
Molecular consequence: missense variant. On other transcripts: non-coding transcript variant (1).
Genome position (GRCh38, 1-based): chr20:33,789,541, A>G. VCF-style: chr20-33789541-A-G. GRCh37 (hg19) VCF-style: chr20-32377347-A-G.
Other names: c.1718A>G, p.Glu573Gly (NM_001282935.2); c.1967A>G, p.Glu656Gly (NM_032819.5); short protein forms E656G, E663G, E573G.
Identifiers: ClinVar variation 2089077 (VCV002089077.1), dbSNP rs1342653870, ClinGen allele CA408641279.